The following is an entry in ClinVar:

NM_032737.4(LMNB2):c.264+5G>T

Genes: LMNB2 (lamin B2; minus strand), LOC130063065 (ATAC-STARR-seq lymphoblastoid silent region 9791; plus strand). Cytogenetic location: 19p13.3.
Variant type: single nucleotide variant.
Coding change: c.264+5G>T on transcript NM_032737.4 (MANE Select); 5 bases into the intron after coding-DNA position 264, G replaced by T.
Molecular consequence: intron variant.
Genome position (GRCh38, 1-based): chr19:2,456,665, C>A on the plus strand (G>T on the coding strand, the complement: LMNB2 is on the minus strand). VCF-style: chr19-2456665-C-A. GRCh37 (hg19) VCF-style: chr19-2456663-C-A.
Identifiers: ClinVar variation 2936416 (VCV002936416.3), dbSNP rs1371255338, ClinGen allele CA631307471.
Genomic context (GRCh38, chr19:2,456,665, plus strand): 5'-GCGCCCCGCGGTGGGCGGGGCCTGCCGGCTGCACCCCCGCCCGGCCCCTAAGCCCCGGCG[C>A]CCACCTCGCGCGTGGTCACCTCCTCCTTCTCTGAGATCTTGAGCAGGAGCCGGTCGTTCT-3'

ClinVar aggregate classification (germline): Uncertain significance (1 of 4 stars; one submission).

Conditions:
Progressive myoclonic epilepsy type 9. Identifiers: Orphanet 457265, MedGen C4225289, MONDO:0014685, OMIM 616540.
Lipodystrophy, partial, acquired, susceptibility to (APLD). Also called: APLD, SUSCEPTIBILITY TO. Identifiers: MedGen C3887501, MONDO:0100476, OMIM 608709.

Allele frequency attached by ClinVar (database versions not stated): TOPMed 0.00001.
gnomAD v4.1: 1 of 1,522,614 alleles (0.000066%); no homozygotes.

Submission:

Labcorp Genetics (formerly Invitae), Labcorp
Classification: Uncertain significance for Progressive myoclonic epilepsy type 9; Lipodystrophy, partial, acquired, susceptibility to. Last evaluated: 2022-11-17. Review status: criteria provided, single submitter. Criteria: Invitae Variant Classification Sherloc (09022015). Collection method: clinical testing. Allele origin: germline.
Comment: In summary, the available evidence is currently insufficient to determine the role of this variant in disease. Therefore, it has been classified as a Variant of Uncertain Significance. Variants that disrupt the consensus splice site are a relatively common cause of aberrant splicing (PMID: 17576681, 9536098). Algorithms developed to predict the effect of sequence changes on RNA splicing suggest that this variant may disrupt the consensus splice site. This variant has not been reported in the literature in individuals affected with LMNB2-related conditions. This variant is not present in population databases (gnomAD no frequency). This sequence change falls in intron 1 of the LMNB2 gene. It does not directly change the encoded amino acid sequence of the LMNB2 protein. It affects a nucleotide within the consensus splice site.

Literature cited by the submitters: PubMed 17576681; PubMed 9536098.